The following is an entry in ClinVar:

NM_000368.5(TSC1):c.1275G>A (p.Met425Ile)

Gene: TSC1 (TSC complex subunit 1; minus strand). Cytogenetic location: 9q34.13.
Variant type: single nucleotide variant.
Coding change: c.1275G>A on transcript NM_000368.5 (MANE Select); coding-DNA position 1275, G replaced by A.
Protein change: p.Met425Ile; replaces methionine 425 with isoleucine.
Molecular consequence: missense variant.
Genome position (GRCh38, 1-based): chr9:132,907,359, C>T on the plus strand (G>A on the coding strand, the complement: TSC1 is on the minus strand). VCF-style: chr9-132907359-C-T. GRCh37 (hg19) VCF-style: chr9-135782746-C-T.
Other names: c.1272G>A, p.Met424Ile (NM_001162426.2); c.1122G>A, p.Met374Ile (NM_001162427.2); c.912G>A, p.Met304Ile (NM_001362177.2); short protein forms M304I, M374I, M424I, M425I.
Identifiers: ClinVar variation 1439395 (VCV001439395.8), dbSNP rs2131882532, ClinGen allele CA375366204.

ClinVar aggregate classification (germline): Uncertain significance (1 of 4 stars; one submission).

Conditions:
Tuberous sclerosis 1 (TSC1). Identifiers: Orphanet 805, MedGen C1854465, MONDO:0008612, OMIM 191100.

Submission:

Labcorp Genetics (formerly Invitae), Labcorp
Classification: Uncertain significance for Tuberous sclerosis 1. Last evaluated: 2021-02-02. Review status: criteria provided, single submitter. Criteria: Invitae Variant Classification Sherloc (09022015). Collection method: clinical testing. Allele origin: germline.
Comment: This sequence change replaces methionine with isoleucine at codon 425 of the TSC1 protein (p.Met425Ile). The methionine residue is weakly conserved and there is a small physicochemical difference between methionine and isoleucine. This variant is not present in population databases (ExAC no frequency). This variant has not been reported in the literature in individuals with TSC1-related conditions. Algorithms developed to predict the effect of missense changes on protein structure and function (SIFT, PolyPhen-2, Align-GVGD) all suggest that this variant is likely to be tolerated, but these predictions have not been confirmed by published functional studies and their clinical significance is uncertain. In summary, the available evidence is currently insufficient to determine the role of this variant in disease. Therefore, it has been classified as a Variant of Uncertain Significance.